The following is an entry in ClinVar:

ClinVar aggregate classification (germline): Uncertain significance (1 of 4 stars; one submission).

Conditions:
Developmental and epileptic encephalopathy, 25 (DEE25). Also called: Developmental and epileptic encephalopathy 25, with amelogenesis imperfecta; Epileptic encephalopathy, early infantile, 25, with amelogenesis imperfecta; Epileptic encephalopathy, early infantile, 25. Identifiers: Orphanet 442835, MedGen C4014621, MONDO:0014392, OMIM 615905.

Allele frequency attached by ClinVar (database versions not stated): TOPMed below 0.00001; ExAC 0.00001; gnomAD exomes 0.00001; ESP Exome Variant Server 0.00008.
gnomAD v4.1: 7 of 1,604,914 alleles (0.00044%); highest among the groups gnomAD compares: Non-Finnish European, 0.0006%; no homozygotes.

Submission:

Labcorp Genetics (formerly Invitae), Labcorp
Classification: Uncertain significance for Developmental and epileptic encephalopathy, 25. Last evaluated: 2021-10-14. Review status: criteria provided, single submitter. Criteria: Invitae Variant Classification Sherloc (09022015). Collection method: clinical testing. Allele origin: germline.
Comment: In summary, the available evidence is currently insufficient to determine the role of this variant in disease. Therefore, it has been classified as a Variant of Uncertain Significance. Experimental studies have shown that this missense change affects SLC13A5 function (PMID: 30054523). Algorithms developed to predict the effect of missense changes on protein structure and function (SIFT, PolyPhen-2, Align-GVGD) all suggest that this variant is likely to be disruptive. This variant has not been reported in the literature in individuals affected with SLC13A5-related conditions. This variant is present in population databases (rs148049520, ExAC 0.002%). This sequence change replaces leucine with arginine at codon 485 of the SLC13A5 protein (p.Leu485Arg). The leucine residue is weakly conserved and there is a moderate physicochemical difference between leucine and arginine.

Literature cited by the submitters: PubMed 30054523.

NM_177550.5(SLC13A5):c.1454T>G (p.Leu485Arg)

Gene: SLC13A5 (solute carrier family 13 member 5; minus strand). Cytogenetic location: 17p13.1.
Variant type: single nucleotide variant.
Coding change: c.1454T>G on transcript NM_177550.5 (MANE Select); coding-DNA position 1454, T replaced by G.
Protein change: p.Leu485Arg; replaces leucine 485 with arginine.
Molecular consequence: missense variant. On other transcripts: intron variant (1).
Genome position (GRCh38, 1-based): chr17:6,687,650, A>C on the plus strand (T>G on the coding strand, the complement: SLC13A5 is on the minus strand). VCF-style: chr17-6687650-A-C. GRCh37 (hg19) VCF-style: chr17-6590969-A-C.
Other names: c.1403T>G, p.Leu468Arg (NM_001284509.2); c.1325T>G, p.Leu442Arg (NM_001284510.2); c.1438-1312T>G (NM_001143838.3); short protein forms L442R, L485R, L468R.
Identifiers: ClinVar variation 1491191 (VCV001491191.6), dbSNP rs148049520, ClinGen allele CA8331364.